The following is an entry in ClinVar:

ClinVar aggregate classification (germline): Uncertain significance (1 of 4 stars; one submission).

gnomAD v4.1: 3 of 1,612,910 alleles (0.00019%); highest among the groups gnomAD compares: Non-Finnish European, 0.00025%; no homozygotes.

Submission:

Mayo Clinic Laboratories, Mayo Clinic
Classification: Uncertain significance. Last evaluated: 2023-03-21. Review status: criteria provided, single submitter. Criteria: ACMG Guidelines, 2015. Collection method: clinical testing. Allele origin: germline. Observed: 1 variant allele.
Comment: BP4, PP2, PM2

NM_001166114.2(PNPLA6):c.335C>T (p.Ser112Phe)

Gene: PNPLA6 (patatin like domain 6, lysophospholipase; plus strand). Cytogenetic location: 19p13.2.
Variant type: single nucleotide variant.
Coding change: c.335C>T on transcript NM_001166114.2 (MANE Select); coding-DNA position 335, C replaced by T.
Protein change: p.Ser112Phe; replaces serine 112 with phenylalanine.
Molecular consequence: missense variant.
Genome position (GRCh38, 1-based): chr19:7,536,468, C>T. VCF-style: chr19-7536468-C-T. GRCh37 (hg19) VCF-style: chr19-7601354-C-T.
Other names: p.Ser73Phe; c.362C>T, p.Ser121Phe (NM_001166111.2); c.218C>T, p.Ser73Phe (NM_001166112.2, NM_001166113.1, NM_006702.5); short protein forms S112F, S121F, S73F.
Identifiers: ClinVar variation 2683474 (VCV002683474.1), dbSNP rs2512488418, ClinGen allele CA403098626.